The following is an entry in ClinVar:

NM_000138.5(FBN1):c.1129T>C (p.Cys377Arg)

Genes: FBN1 (fibrillin 1; minus strand), LOC113939944 (Sharpr-MPRA regulatory region 9539; plus strand). Cytogenetic location: 15q21.1.
Variant type: single nucleotide variant.
Coding change: c.1129T>C on transcript NM_000138.5 (MANE Select); coding-DNA position 1129, T replaced by C.
Protein change: p.Cys377Arg; replaces cysteine 377 with arginine.
Molecular consequence: missense variant.
Genome position (GRCh38, 1-based): chr15:48,520,677, A>G on the plus strand (T>C on the coding strand, the complement: FBN1 is on the minus strand). VCF-style: chr15-48520677-A-G. GRCh37 (hg19) VCF-style: chr15-48812874-A-G.
Other names: short protein forms C377R.
Identifiers: ClinVar variation 264158 (VCV000264158.15), dbSNP rs886039066, ClinGen allele CA10587868.

ClinVar aggregate classification (germline): Likely pathogenic. Review status: criteria provided, multiple submitters, no conflicts (2 of 4 stars). 2 submissions from 2 submitters: Likely pathogenic (2). Last evaluated 2024-04-29.

Conditions:
Marfan syndrome (MFS). Also called: MARFAN SYNDROME, TYPE I; FBN1-Related Marfan Syndrome; Marfan syndrome, classic; Marfan syndrome type 1; Marfan's syndrome. Identifiers: Orphanet 284963, Orphanet 558, MedGen C0024796, MONDO:0007947, OMIM 154700.
Familial thoracic aortic aneurysm and aortic dissection (TAAD). Also called: Thoracic aortic aneurysms and dissections. Identifiers: Orphanet 91387, MedGen C4707243, MONDO:0019625.

Submissions (2):

Ambry Genetics
Classification: Likely pathogenic for Familial thoracic aortic aneurysm and aortic dissection. Last evaluated: 2024-04-29. Review status: criteria provided, single submitter. Criteria: Ambry Variant Classification Scheme 2023. Collection method: clinical testing. Allele origin: germline.
Comment: The p.C377R variant (also known as c.1129T>C), located in coding exon 9 of the FBN1 gene, results from a T to C substitution at nucleotide position 1129. The cysteine at codon 377 is replaced by arginine, an amino acid with highly dissimilar properties. The majority of FBN1 mutations identified to date have involved the substitution or generation of cysteine residues within cbEGF domains (Vollbrandt T et al. J Biol Chem. 2004;279(31):32924-32931). Internal structural analysis indicates this alteration eliminates a disulfide bond critical for the structural integrity of the TB domain 1 (Ambry internal data). This amino acid position is highly conserved in available vertebrate species. In addition, this alteration is predicted to be deleterious by in silico analysis. Based on the majority of available evidence to date, this variant is likely to be pathogenic.

Labcorp Genetics (formerly Invitae), Labcorp
Classification: Likely pathogenic for Marfan syndrome; Familial thoracic aortic aneurysm and aortic dissection. Last evaluated: 2018-12-20. Review status: criteria provided, single submitter. Criteria: Invitae Variant Classification Sherloc (09022015). Collection method: clinical testing. Allele origin: germline.
Comment: This sequence change replaces cysteine with arginine at codon 377 of the FBN1 protein (p.Cys377Arg). The cysteine residue is highly conserved and there is a large physicochemical difference between cysteine and arginine. This variant is not present in population databases (ExAC no frequency). This variant has not been reported in the literature in individuals with FBN1-related conditions. ClinVar contains an entry for this variant (Variation ID: 264158). Algorithms developed to predict the effect of missense changes on protein structure and function are either unavailable or do not agree on the potential impact of this missense change (SIFT: "Deleterious"; PolyPhen-2: "Possibly Damaging"; Align-GVGD: "Class C0"). In summary, the currently available evidence indicates that the variant is pathogenic, but additional data are needed to prove that conclusively. Therefore, this variant has been classified as Likely Pathogenic. This variant affects a cysteine residue in the EGF-like, TGFBP or hybrid motif domains of FBN1. Cysteine residues are believed to be involved in intramolecular disulfide bridges and have been shown to be important for FBN1 protein structure (PMID: 16905551, 19349279). In addition, missense substitutions affecting cysteine residues within these domains are significantly overrepresented among patients with Marfan syndrome (PMID: 16571647, 17701892).

Literature cited by the submitters: PubMed 9362480 (cited by Ambry Genetics); PubMed 16905551 (cited by Labcorp Genetics (formerly Invitae), Labcorp); PubMed 19349279 (cited by Labcorp Genetics (formerly Invitae), Labcorp); PubMed 16571647 (cited by Labcorp Genetics (formerly Invitae), Labcorp); PubMed 17701892 (cited by Labcorp Genetics (formerly Invitae), Labcorp).